The following is an entry in ClinVar:

ClinVar aggregate classification (germline): Uncertain significance (1 of 4 stars; one submission).

Conditions:
Neuropathy, hereditary sensory and autonomic, type 2A (HSAN2A). Also called: ACROOSTEOLYSIS, GIACCAI TYPE; ACROOSTEOLYSIS, NEUROGENIC; MORVAN DISEASE; NEUROPATHY, CONGENITAL SENSORY; NEUROPATHY, HEREDITARY SENSORY RADICULAR, AUTOSOMAL RECESSIVE; NEUROPATHY, HEREDITARY SENSORY, TYPE IIA. Identifiers: Orphanet 970, MedGen C2752089, MONDO:0024309, OMIM 201300.
Pseudohypoaldosteronism type 2C (PHA2C). Also called: Pseudohypoaldosteronism Type IIC. Identifiers: Orphanet 757, Orphanet 88940, MedGen C1840391, MONDO:0013778, OMIM 614492.

Allele frequency attached by ClinVar (database versions not stated): gnomAD exomes below 0.00001; gnomAD 0.00001.
gnomAD v4.1: 7 of 1,528,748 alleles (0.00046%); highest among the groups gnomAD compares: East Asian, 0.0025%; no homozygotes.

Submission:

Labcorp Genetics (formerly Invitae), Labcorp
Classification: Uncertain significance for Neuropathy, hereditary sensory and autonomic, type 2A; Pseudohypoaldosteronism type 2C. Last evaluated: 2024-05-22. Review status: criteria provided, single submitter. Criteria: Invitae Variant Classification Sherloc (09022015). Collection method: clinical testing. Allele origin: germline.
Comment: This sequence change replaces phenylalanine, which is neutral and non-polar, with leucine, which is neutral and non-polar, at codon 741 of the WNK1 protein (p.Phe741Leu). This variant is not present in population databases (gnomAD no frequency). This variant has not been reported in the literature in individuals affected with WNK1-related conditions. Advanced modeling of protein sequence and biophysical properties (such as structural, functional, and spatial information, amino acid conservation, physicochemical variation, residue mobility, and thermodynamic stability) performed at Invitae indicates that this missense variant is not expected to disrupt WNK1 protein function with a negative predictive value of 95%. In summary, the available evidence is currently insufficient to determine the role of this variant in disease. Therefore, it has been classified as a Variant of Uncertain Significance.

NM_213655.5(WNK1):c.2221T>C (p.Phe741Leu)

Gene: WNK1 (WNK lysine deficient protein kinase 1; plus strand). Cytogenetic location: 12p13.33.
Variant type: single nucleotide variant.
Coding change: c.2221T>C on transcript NM_213655.5 (MANE Plus Clinical); coding-DNA position 2221, T replaced by C.
Protein change: p.Phe741Leu; replaces phenylalanine 741 with leucine.
Molecular consequence: missense variant. On other transcripts: intron variant (3).
Genome position (GRCh38, 1-based): chr12:865,191, T>C. VCF-style: chr12-865191-T-C. GRCh37 (hg19) VCF-style: chr12-974357-T-C.
Other names: c.2140-2675T>C (NM_001184985.2); c.2139+2921T>C (NM_018979.4, NM_014823.3); short protein forms F741L.
Identifiers: ClinVar variation 2933148 (VCV002933148.3), dbSNP rs377375124, ClinGen allele CA231495613.
Genomic context (GRCh38, chr12:865,191, plus strand): 5'-TCGGTTTGTGTTCCCATCTTTCTGCTGTTGCCTCTGTGTCCCGCATCTCTCCCAGTGCTC[T>C]TCCACCCCACCGCCAGTACTGTCTGCACCTCTTTCTCCTTCCCTCCTCCGGACTGCCCCG-3'
Protein context (NP_998820.3, residues 731-751): PLCPASLPVL[Phe741Leu]HPTASTVCTS